The following is an entry in ClinVar:

NM_000553.6(WRN):c.15del (p.Lys5fs)

Gene: WRN (WRN RecQ like helicase; plus strand). Cytogenetic location: 8p12.
Variant type: Deletion.
Coding change: c.15del on transcript NM_000553.6 (MANE Select); coding-DNA position 15, one base deleted (A; older notation c.15delA).
Protein change: p.Lys5fs; shifts the reading frame from lysine 5.
Molecular consequence: frameshift variant.
Genome position (GRCh38, 1-based): chr8:31,058,462, A deleted; the last of 8 consecutive A bases (chr8:31,058,455-31,058,462); deleting any one gives the same sequence. VCF-style (leftmost placement, unchanged base first): chr8-31058454-GA-G. GRCh37 (hg19) VCF-style: chr8-30915970-GA-G.
Other names: c.15del (NM_000553.4); short protein forms K5fs.
Identifiers: ClinVar variation 238124 (VCV000238124.11), dbSNP rs878854133, ClinGen allele CA4703954.
Genomic context (GRCh38, chr8:31,058,454, plus strand): 5'-TATTTACCCATGAAGACATTGTTTTTTGGACTCTGCAAATAGGACATTTCAAAGATGAGT[GA>G]AAAAAAATTGGAAACAACTGCACAGCAGCGGAAATGTCCTGAATGGATGAATGTGCAGAA-3'

ClinVar aggregate classification (germline): Pathogenic/Likely pathogenic. Review status: criteria provided, multiple submitters, no conflicts (2 of 4 stars). 3 submissions from 3 submitters: Pathogenic (1); Likely pathogenic (2). Last evaluated 2024-02-10.

Conditions:
Werner syndrome (WRN). Identifiers: Orphanet 902, MedGen C0043119, MONDO:0010196, OMIM 277700.

Submissions (3):

Baylor Genetics
Classification: Likely pathogenic for Werner syndrome. Last evaluated: 2024-02-10. Review status: criteria provided, single submitter. Criteria: ACMG Guidelines, 2015. Collection method: clinical testing. Allele origin: unknown.

Labcorp Genetics (formerly Invitae), Labcorp
Classification: Pathogenic for Werner syndrome. Last evaluated: 2023-04-20. Review status: criteria provided, single submitter. Criteria: Invitae Variant Classification Sherloc (09022015). Collection method: clinical testing. Allele origin: germline.
Comment: For these reasons, this variant has been classified as Pathogenic. ClinVar contains an entry for this variant (Variation ID: 238124). This variant has not been reported in the literature in individuals affected with WRN-related conditions. The frequency data for this variant in the population databases is considered unreliable, as metrics indicate poor data quality at this position in the gnomAD database. This sequence change creates a premature translational stop signal (p.Lys5Asnfs*15) in the WRN gene. It is expected to result in an absent or disrupted protein product. Loss-of-function variants in WRN are known to be pathogenic (PMID: 16673358).

Department of Pathology and Laboratory Medicine, Sinai Health System
Classification: Likely pathogenic for Werner syndrome. Last evaluated: 2023-02-27. Review status: criteria provided, single submitter. Criteria: ACMG Guidelines, 2015. Collection method: research. Allele origin: germline.

Literature cited by the submitters: PubMed 16673358 (cited by Labcorp Genetics (formerly Invitae), Labcorp).